The following is an entry in ClinVar:

ClinVar aggregate classification (germline): Uncertain significance (1 of 4 stars; one submission).

Conditions:
Giant axonal neuropathy 1 (GAN1). Also called: GIANT AXONAL NEUROPATHY 1, AUTOSOMAL RECESSIVE; GAN-Related Neurodegeneration. Identifiers: Orphanet 643, MedGen C1850386, MONDO:0009749, OMIM 256850.

Submission:

Labcorp Genetics (formerly Invitae), Labcorp
Classification: Uncertain significance for Giant axonal neuropathy 1. Last evaluated: 2022-05-27. Review status: criteria provided, single submitter. Criteria: Invitae Variant Classification Sherloc (09022015). Collection method: clinical testing. Allele origin: germline.
Comment: Algorithms developed to predict the effect of missense changes on protein structure and function (SIFT, PolyPhen-2, Align-GVGD) all suggest that this variant is likely to be tolerated. This variant has not been reported in the literature in individuals affected with GAN-related conditions. This variant is not present in population databases (gnomAD no frequency). This sequence change replaces proline, which is neutral and non-polar, with alanine, which is neutral and non-polar, at codon 513 of the GAN protein (p.Pro513Ala). In summary, the available evidence is currently insufficient to determine the role of this variant in disease. Therefore, it has been classified as a Variant of Uncertain Significance.

NM_022041.4(GAN):c.1537C>G (p.Pro513Ala)

Gene: GAN (gigaxonin; plus strand). Cytogenetic location: 16q23.2.
Variant type: single nucleotide variant.
Coding change: c.1537C>G on transcript NM_022041.4 (MANE Select); coding-DNA position 1537, C replaced by G.
Protein change: p.Pro513Ala; replaces proline 513 with alanine.
Molecular consequence: missense variant.
Genome position (GRCh38, 1-based): chr16:81,377,253, C>G. VCF-style: chr16-81377253-C-G. GRCh37 (hg19) VCF-style: chr16-81410858-C-G.
Other names: c.898C>G, p.Pro300Ala (NM_001377486.1); short protein forms P300A, P513A.
Identifiers: ClinVar variation 2172564 (VCV002172564.4), dbSNP rs1195193047, ClinGen allele CA396892083.